The following is an entry in ClinVar:

NM_024884.3(L2HGDH):c.115G>A (p.Gly39Arg)

Genes: DMAC2L (distal membrane arm assembly component 2 like; plus strand), L2HGDH (L-2-hydroxyglutarate dehydrogenase; minus strand). Cytogenetic location: 14q21.3.
Variant type: single nucleotide variant.
Coding change: c.115G>A on transcript NM_024884.3 (MANE Select); coding-DNA position 115, G replaced by A.
Protein change: p.Gly39Arg; replaces glycine 39 with arginine.
Molecular consequence: missense variant. On other transcripts: 5 prime UTR variant (6), intron variant (1).
Genome position (GRCh38, 1-based): chr14:50,312,036, C>T on the plus strand (G>A on the coding strand, the complement: L2HGDH is on the minus strand). VCF-style: chr14-50312036-C-T. GRCh37 (hg19) VCF-style: chr14-50778754-C-T.
Other names: c.115G>A, p.Gly39Arg (NM_001425212.1); c.-140G>A (NM_001425213.1, NM_001425214.1); c.-654G>A (NM_001425215.1); c.-496G>A (NM_001425216.1); c.-589G>A (NM_001425217.1); c.-511G>A (NM_001425218.1); c.-6+182C>T (NM_001382509.1); short protein forms G39R.
Identifiers: ClinVar variation 1514384 (VCV001514384.6), dbSNP rs2139246630, ClinGen allele CA389648749.
Genomic context (GRCh38, chr14:50,312,036, plus strand): 5'-AGCGCAGGCGGCGGGGAGGACCAGCGGCCACTCACCTGGTGCTGGCGCTGCGGCTACCTC[C>T]ACACAGCGGTCTTGGCCTCCCAGACGCGAACCCGCACGCCCCAGGGGAGCCACCGGCGAA-3'
Protein context (NP_079160.1, residues 29-49): FASGRPRPLC[Gly39Arg]GSRSASTSSF

ClinVar aggregate classification (germline): Uncertain significance (1 of 4 stars; one submission).

Conditions:
L-2-hydroxyglutaric aciduria (L2HGA). Identifiers: Orphanet 79314, MedGen C1855995, MONDO:0009370, OMIM 236792, HP:0040144.

Submission:

Labcorp Genetics (formerly Invitae), Labcorp
Classification: Uncertain significance for L-2-hydroxyglutaric aciduria. Last evaluated: 2021-12-01. Review status: criteria provided, single submitter. Criteria: Invitae Variant Classification Sherloc (09022015). Collection method: clinical testing. Allele origin: germline.
Comment: This sequence change replaces glycine, which is neutral and non-polar, with arginine, which is basic and polar, at codon 39 of the L2HGDH protein (p.Gly39Arg). This variant is not present in population databases (gnomAD no frequency). This variant has not been reported in the literature in individuals affected with L2HGDH-related conditions. Algorithms developed to predict the effect of missense changes on protein structure and function output the following: SIFT: "Tolerated"; PolyPhen-2: "Benign"; Align-GVGD: "Class C0". The arginine amino acid residue is found in multiple mammalian species, which suggests that this missense change does not adversely affect protein function. In summary, the available evidence is currently insufficient to determine the role of this variant in disease. Therefore, it has been classified as a Variant of Uncertain Significance.